The following is an entry in ClinVar:

ClinVar aggregate classification (germline): Uncertain significance (1 of 4 stars; one submission).

gnomAD v4.1: 1 of 1,614,218 alleles (0.000062%); highest among the groups gnomAD compares: Admixed American, 0.0017%; no homozygotes.

Submission:

GeneDx
Classification: Uncertain significance. Last evaluated: 2024-09-05. Review status: criteria provided, single submitter. Criteria: GeneDx Variant Classification Process June 2021. Collection method: clinical testing. Allele origin: germline. Affected: yes.
Comment: Not observed at significant frequency in large population cohorts (gnomAD); In silico analysis supports that this missense variant has a deleterious effect on protein structure/function; Has not been previously published as pathogenic or benign to our knowledge

NM_001375380.1(EBF3):c.1100A>G (p.His367Arg)

Gene: EBF3 (EBF transcription factor 3; minus strand). Cytogenetic location: 10q26.3.
Variant type: single nucleotide variant.
Coding change: c.1100A>G on transcript NM_001375380.1 (MANE Select); coding-DNA position 1100, A replaced by G.
Protein change: p.His367Arg; replaces histidine 367 with arginine.
Molecular consequence: missense variant.
Genome position (GRCh38, 1-based): chr10:129,848,420, T>C on the plus strand (A>G on the coding strand, the complement: EBF3 is on the minus strand). VCF-style: chr10-129848420-T-C. GRCh37 (hg19) VCF-style: chr10-131646684-T-C.
Other names: c.1073A>G, p.His358Arg (NM_001005463.3, NM_001375390.1, NM_001375392.1); c.1100A>G, p.His367Arg (NM_001375379.1, NM_001375389.1, NM_001375391.1); short protein forms H358R, H367R.
Identifiers: ClinVar variation 3767426 (VCV003767426.1).